The following is an entry in ClinVar:

NM_198576.4(AGRN):c.3251-10G>A

Gene: AGRN (agrin; plus strand). Cytogenetic location: 1p36.33.
Variant type: single nucleotide variant.
Coding change: c.3251-10G>A on transcript NM_198576.4 (MANE Select); 10 bases into the intron before coding-DNA position 3251, G replaced by A.
Molecular consequence: intron variant.
Genome position (GRCh38, 1-based): chr1:1,046,810, G>A. VCF-style: chr1-1046810-G-A. GRCh37 (hg19) VCF-style: chr1-982190-G-A.
Other names: c.3251-10G>A (NM_198576.3, NM_001305275.2); c.2936-10G>A (NM_001364727.2).
Identifiers: ClinVar variation 1574839 (VCV001574839.10), dbSNP rs368963266, ClinGen allele CA509004.

ClinVar aggregate classification (germline): Likely benign. Review status: criteria provided, single submitter (1 of 4 stars). 2 submissions from 2 submitters: Likely benign (1). 1 of the submissions does not count toward it. Last evaluated 2025-11-21.

Conditions:
Congenital myasthenic syndrome 8. Also called: Myasthenic syndrome, congenital, 8, with pre- and postsynaptic defects; MYASTHENIC SYNDROME, CONGENITAL, DUE TO AGRIN DEFICIENCY. Identifiers: Orphanet 590, MedGen C3808739, MONDO:0014052, OMIM 615120.
AGRN-related disorder. Also called: AGRN-related condition.

Allele frequency attached by ClinVar (database versions not stated): gnomAD exomes 0.00009 and 0.00007; TOPMed 0.00001; gnomAD 0.00001 and 0.00003; 1000 Genomes Project 0.00020; 1000 Genomes Project 30x 0.00016; ExAC 0.00019.
gnomAD v4.1: 98 of 1,578,440 alleles (0.0062%); highest among the groups gnomAD compares: South Asian, 0.077%; no homozygotes.

Submissions (2):

Labcorp Genetics (formerly Invitae), Labcorp
Classification: Likely benign for Congenital myasthenic syndrome 8. Last evaluated: 2025-11-21. Review status: criteria provided, single submitter. Criteria: Invitae Variant Classification Sherloc (09022015). Collection method: clinical testing. Allele origin: germline.

PreventionGenetics, part of Exact Sciences
Classification: Likely benign for AGRN-related condition. Last evaluated: 2021-11-23. Review status: no assertion criteria provided. Collection method: clinical testing. Allele origin: germline. Not counted in ClinVar's aggregate classification.
Comment: This variant is classified as likely benign based on ACMG/AMP sequence variant interpretation guidelines (Richards et al. 2015 PMID: 25741868, with internal and published modifications).